The following is an entry in ClinVar:

ClinVar aggregate classification (germline): Pathogenic (1 of 4 stars; one submission).

Conditions:
Hereditary cancer-predisposing syndrome. Also called: Hereditary Cancer Syndrome; Hereditary neoplastic syndrome; Tumor predisposition; Neoplastic Syndromes, Hereditary. Identifiers: Orphanet 140162, MedGen C0027672, MeSH D009386, MONDO:0015356.
Cardiovascular phenotype. Identifiers: MedGen CN230736.

Submission:

Ambry Genetics
Classification: Pathogenic for Cardiovascular phenotype; Hereditary cancer-predisposing syndrome. Last evaluated: 2018-08-10. Review status: criteria provided, single submitter. Criteria: Ambry Variant Classification Scheme 2023. Collection method: clinical testing. Allele origin: germline.
Comment: The c.2491delA pathogenic mutation, located in coding exon 21 of the NF1 gene, results from a deletion of one nucleotide at nucleotide position 2491, causing a translational frameshift with a predicted alternate stop codon (p.T831Qfs*10). This alteration is expected to result in loss of function by premature protein truncation or nonsense-mediated mRNA decay. As such, this alteration is interpreted as a disease-causing mutation.

NM_001042492.3(NF1):c.2491del (p.Thr831fs)

Gene: NF1 (neurofibromin 1; plus strand). Cytogenetic location: 17q11.2.
Variant type: Deletion.
Coding change: c.2491del on transcript NM_001042492.3 (MANE Select); coding-DNA position 2491, one base deleted (A; older notation c.2491delA).
Protein change: p.Thr831fs; shifts the reading frame from threonine 831.
Molecular consequence: frameshift variant.
Genome position (GRCh38, 1-based): chr17:31,229,106, A deleted. VCF-style (leftmost placement, unchanged base first): chr17-31229105-CA-C. GRCh37 (hg19) VCF-style: chr17-29556123-CA-C.
Other names: c.2491delA (NM_000267.3); c.2491delA, p.Thr831Glnfs (NM_000267.4); short protein forms T831fs.
Identifiers: ClinVar variation 1792079 (VCV001792079.2), dbSNP rs2508182716, ClinGen allele CA2580093265.
Genomic context (GRCh38, chr17:31,229,105, plus strand): 5'-GACCATTGTTAAGAGGCGAATGTCCCATGTGAGTGGAGGAGGATCCATAGATTTGTCTGA[CA>C]CAGACTCCCTACAGGAATGGATCAACATGACTGGCTTCCTTTGTGCCCTTGGGGGAGTGT-3'